The following is an entry in ClinVar:

NM_001077418.3(TMEM231):c.582+8C>G

Gene: TMEM231 (transmembrane protein 231; minus strand). Cytogenetic location: 16q23.1.
Variant type: single nucleotide variant.
Coding change: c.582+8C>G on transcript NM_001077418.3 (MANE Select); 8 bases into the intron after coding-DNA position 582, C replaced by G.
Molecular consequence: intron variant.
Genome position (GRCh38, 1-based): chr16:75,545,344, G>C on the plus strand (C>G on the coding strand, the complement: TMEM231 is on the minus strand). VCF-style: chr16-75545344-G-C. GRCh37 (hg19) VCF-style: chr16-75579242-G-C.
Other names: p.?; c.741+8C>G (NM_001077416.2).
Identifiers: ClinVar variation 130590 (VCV000130590.19), dbSNP rs144252983, ClinGen allele CA155721.

ClinVar aggregate classification (germline): Benign/Likely benign. Review status: criteria provided, multiple submitters, no conflicts (2 of 4 stars). 7 submissions from 7 submitters: Benign (5); Likely benign (1). 1 of the submissions does not count toward it. Last evaluated 2026-02-04.

Conditions:
Meckel syndrome, type 11 (MKS11). Identifiers: Orphanet 564, MedGen C3809352, MONDO:0014164, OMIM 615397.
Joubert syndrome 20 (JBTS20). Identifiers: Orphanet 475, MedGen C3554235, MONDO:0013994, OMIM 614970.

Allele frequency attached by ClinVar (database versions not stated): 1000 Genomes Project 30x 0.02092; 1000 Genomes Project 0.02137; gnomAD 0.02257; TOPMed 0.02586; ESP Exome Variant Server 0.02808.
gnomAD v4.1: 60,138 of 1,608,734 alleles (3.7%); highest among the groups gnomAD compares: South Asian, 6.8%; 1,400 homozygotes.

Submissions (7):

Labcorp Genetics (formerly Invitae), Labcorp
Classification: Benign for Joubert syndrome 20; Meckel syndrome, type 11. Last evaluated: 2026-02-04. Review status: criteria provided, single submitter. Criteria: Invitae Variant Classification Sherloc (09022015). Collection method: clinical testing. Allele origin: germline.

Blueprint Genetics
Classification: Likely benign. Last evaluated: 2024-11-27. Review status: criteria provided, single submitter. Criteria: ACMG Guidelines, 2015. Collection method: clinical testing. Allele origin: germline.

Mayo Clinic Laboratories, Mayo Clinic
Classification: Benign. Last evaluated: 2023-04-03. Review status: criteria provided, single submitter. Criteria: ACMG Guidelines, 2015. Collection method: clinical testing. Allele origin: germline. Observed: 10 variant alleles.

GeneDx
Classification: Benign. Last evaluated: 2016-04-06. Review status: criteria provided, single submitter. Criteria: GeneDx Variant Classification (06012015). Collection method: clinical testing. Allele origin: germline. Affected: yes.
Comment: This variant is considered likely benign or benign based on one or more of the following criteria: it is a conservative change, it occurs at a poorly conserved position in the protein, it is predicted to be benign by multiple in silico algorithms, and/or has population frequency not consistent with disease.

Breakthrough Genomics
Classification: Benign. Review status: criteria provided, single submitter. Criteria: ACMG Guidelines, 2015. Collection method: not provided. Allele origin: germline. Inheritance: Autosomal recessive inheritance. Affected: yes.

PreventionGenetics, part of Exact Sciences
Classification: Benign. Review status: criteria provided, single submitter. Criteria: ACMG Guidelines, 2015. Collection method: clinical testing. Allele origin: germline.

Genetic Services Laboratory, University of Chicago
Classification: Likely benign for AllHighlyPenetrant. Review status: no assertion criteria provided. Collection method: clinical testing. Allele origin: germline. Inheritance: Autosomal recessive inheritance. Not counted in ClinVar's aggregate classification.
Comment: Likely benign based on allele frequency in 1000 Genomes Project or ESP global frequency and its presence in a patient with a rare or unrelated disease phenotype. NOT Sanger confirmed.